The following is an entry in ClinVar:

NM_000552.5(VWF):c.3797C>T (p.Pro1266Leu)

Gene: VWF (von Willebrand factor; minus strand). Cytogenetic location: 12p13.31.
Variant type: single nucleotide variant.
Coding change: c.3797C>T on transcript NM_000552.5 (MANE Select); coding-DNA position 3797, C replaced by T.
Protein change: p.Pro1266Leu; replaces proline 1266 with leucine.
Molecular consequence: missense variant.
Genome position (GRCh38, 1-based): chr12:6,019,621, G>A on the plus strand (C>T on the coding strand, the complement: VWF is on the minus strand). VCF-style: chr12-6019621-G-A. GRCh37 (hg19) VCF-style: chr12-6128787-G-A.
Other names: p.P1266L; NM_000552.5(VWF):c.3797C>T; short protein forms P1266L.
Identifiers: ClinVar variation 314 (VCV000000314.92), dbSNP rs61749370, ClinGen allele CA114170.

ClinVar aggregate classification (germline): Likely benign. Review status: reviewed by expert panel (3 of 4 stars). 29 submissions from 27 submitters: Likely benign (1). 28 of the submissions do not count toward it. Last evaluated 2025-05-06.

Conditions:
von Willebrand disease type 1 (VWD1). Also called: VWD, TYPE 1; VON WILLEBRAND DISEASE, TYPE I. Identifiers: Orphanet 166078, Orphanet 903, MedGen C1264039, MONDO:0008668, OMIM 193400. Inheritance: autosomal recessive or autosomal dominant.
von Willebrand disease type 3 (VWD3). Also called: Type 3 Von Willebrand's disease; Type 3 VWD; Von Willebrand disease, severe form; V WD3; VON WILLEBRAND DISEASE, TYPE III. Identifiers: Orphanet 166096, MedGen C1264041, MONDO:0010191, OMIM 277480.
von Willebrand disease type 2 (VWD2). Also called: VWD, TYPE 2; VON WILLEBRAND DISEASE, TYPE 2A/IIE; VON WILLEBRAND DISEASE, TYPE 2CB; VON WILLEBRAND DISEASE, TYPE II. Identifiers: Orphanet 166081, Orphanet 903, MedGen C1264040, MONDO:0013304, OMIM 613554.
VWF-related disorder. Also called: VWF-related condition; VWF-related disorders.
Hereditary von Willebrand disease. Identifiers: Orphanet 903, MedGen C5703318, MONDO:0019565. Inheritance: Autosomal recessive or Autosomal dominant.
Thrombocytopenia. Identifiers: MedGen C0040034, MeSH D013921, MONDO:0002049, HP:0001873.
Von Willebrand disease type 2B. Identifiers: Orphanet 166087, MedGen C1282971, MONDO:0015629.

Allele frequency attached by ClinVar (database versions not stated): 1000 Genomes Project 30x 0.00016; TOPMed 0.00084.
gnomAD v4.1: 1,077 of 1,612,852 alleles (0.067%); highest among the groups gnomAD compares: Admixed American, 0.1%; 2 homozygotes.

Submissions 1 to 5 of 29:

ClinGen von Willebrand Disease Variant Curation Expert Panel, ClinGen
Classification: Likely benign for Hereditary von Willebrand disease. Last evaluated: 2025-05-06. Review status: reviewed by expert panel. Criteria: ClinGen VWD 2A B M Rules. Collection method: curation. Allele origin: germline.
Comment: The NM_000552.5(VWF):c.3797C>T variant in VWF is a missense variant predicted to cause substitution of proline by leucine at amino acid 1266 (p.Pro1266Leu). The population frequency and in silico pathogenicity predictors of this variant are between the pathogenic and benign thresholds established by the VWD VCEP. This variant has been extensively researched and published in the literature and has been associated with VWD type 2B Malmö/NY. This sub-type of VWD type 2B is characterized by very mild clinical presentation if any, typically no thrombocytopenia and normal multimers. No published case where the variant under consideration was the sole driver of disease had a combination of: activity/antigen ratio <0.7, documented abnormal bleeding phenotype, and enhanced response to ristocetin. This variant has been observed in at least 1 patient with an alternate molecular basis for disease. Additionally, carriers of this variant have been documented as being treated with DDAVP without subsequent thrombocytopenia in at least two reports (PMIDs 20305138, 27353798). This observation suggests that the enhanced response to ristocetin data in patients is potentially an artifact and does not represent a biologically relevant increase in binding affinity to GPIb. In summary, this variant meets the criteria to be classified as likely benign for hereditary VWD based on the ACMG/AMP criteria applied, as specified by the ClinGen VWD VCEP: BP5. (ClinGen von Willebrand Disease Expert Panel Specifications to the ACMG/AMP Variant Interpretation Guidelines for VWF Version 1.0.0; May 6th, 2025)

CeGaT Center for Human Genetics Tuebingen
Classification: Likely benign. Last evaluated: 2026-08-01. Review status: criteria provided, single submitter. Criteria: CeGaT Center For Human Genetics Tuebingen Variant Classification Criteria Version 2. Collection method: clinical testing. Allele origin: germline. Affected: yes. Observed: 9 variant alleles. Not counted in ClinVar's aggregate classification.
Comment: VWF: PS3:Supporting, BP4, BP5

PreventionGenetics, part of Exact Sciences
Classification: Uncertain significance for VWF-related condition. Last evaluated: 2026-01-29. Review status: criteria provided, single submitter. Criteria: ACMG Guidelines, 2015. Collection method: clinical testing. Allele origin: germline. Not counted in ClinVar's aggregate classification.
Comment: The VWF c.3797C>T variant is predicted to result in the amino acid substitution p.Pro1266Leu. The p.Pro1266Leu variant, historically referred to as VWD2B Malmo/New York (p.Pro503Leu), is typically characterized by enhanced ristocetin-induced platelet aggregation (RIPA), normal VWF multimer formation, and no thrombocytopenia (Holmberg et al. 1993. PubMed ID: 8486782; Federici et al. 2009. PubMed ID: 18805962; Legan et al. 2022. PubMed ID: 36580664). This variant can be part of a gene conversion event with the pseudogene VWFP which often includes other variants (Gupta et al. 2005. PubMed ID: 16115133; Krahforst et al. 2024. PubMed ID: 39002731). However, there is conflicting evidence if the p.Pro1266Leu variant is sufficient to confer a bleeding phenotype as many symptomatic carriers of this variant were found to have a second causative VWF variant on the same or opposite chromosome as the p.Pro1266Leu variant (Goodeve et al. 2006. PubMed ID: 16985174; Krahforst et al. 2024. PubMed ID: 39002731). In a population study, p.Pro1266Leu carriers were NOT at risk of having a increased ICD-BAT score, as a measurement of bleeding, but these individuals were not independently evaluated for mild symptoms (Stefanucci et al. 2023. PubMed ID: 37647632). This variant is reported in 0.37% of alleles in individuals of European (Finnish) descent in gnomAD; however, this is a region with high homology to other sites in the genome so allele frequency data may not be representative. This variant is interpreted as likely benign by the ClinGen von Willebrand Disease Variant Curation Expert Panel in ClinVar (Variation ID: 314). At this time, the clinical significance of this variant is uncertain due to the absence of conclusive functional and genetic evidence.

Mayo Clinic Laboratories, Mayo Clinic
Classification: Pathogenic. Last evaluated: 2025-11-10. Review status: criteria provided, single submitter. Criteria: ACMG Guidelines, 2015. Collection method: clinical testing. Allele origin: germline. Observed: 7 variant alleles. Not counted in ClinVar's aggregate classification.
Comment: PP1_strong, PP5, PM1, PM5, PS3

Women's Health and Genetics/Laboratory Corporation of America, LabCorp
Classification: Uncertain significance. Last evaluated: 2025-11-05. Review status: criteria provided, single submitter. Criteria: LabCorp Variant Classification Summary - May 2015. Collection method: clinical testing. Allele origin: germline. Not counted in ClinVar's aggregate classification.
Comment: Variant summary: VWF c.3797C>T (p.Pro1266Leu) results in a non-conservative amino acid change located in the recently identified autoinhibitory module (see e.g. Legan_2022) of the encoded protein sequence. Algorithms developed to predict the effect of missense changes on protein structure and function are either unavailable or do not agree on the potential impact of this missense change. The variant allele was found at a frequency of 0.00067 in 1605890 control chromosomes in the gnomAD database, including 2 homozygotes. The variant was shared across multiple ethnicities, but it was predominantly found within the Finnish subpopulation at a frequency of 0.0045, which exceeds the estimated maximal expected allele frequency for disease-causing variants in VWF. The observed relatively high frequency together with the homozygous occurrences might indicate a benign nature for the variant. On the other hand, the variant c.3797C>T (legacy name: P503L; aka. Malmo variant) has been reported in the literature in several heterozygous individuals diagnosed with Von Willebrand Disease type 2B (type 2B VWD), where the diagnosis was usually based on aberrant ristocetin cofactor activity values (e.g. Holmberg_1993, Federici_2009, Veyradier_2016, Szederjesi_2020, Casonato 2017, Ramanan_2025); however, several carriers had no apparent bleeding symptoms, and when increased bleeding tendency was present, in general it was considered a milder bleeding phenotype than classical type 2B VWD. In addition, these carriers were described with normal VWF multimer patterns, and no thrombocytopenia even with a desmopressin challenge, therefore further subtyping of type 2B VWD has been recommended for more precise classification of type 2B VWD patients, where carriers of the p.P1266L variant were grouped into the type 2B-II subtype (Casonato 2017). Several studies also noted that the Pro1266Leu variant frequently results from a gene conversion event with a VWF pseudogene (VWFP1) and occurs together with other pseudogene derived variants, which could contribute to the phenotype variability reported in variant carriers. Publications reported enhanced platelet reactivity to lower ristocetin concentrations from patient derived (ex vivo) samples (e.g. Holmberg_1993), however, later studies also described in vitro experimental evidence for the variant protein (domain) carrying the Pro1266Leu variant in isolation, suggesting reduced thermal- and mechanical protein stability, but largely preserved binding kinetics to the GPIb-alpha ligand-binding domain (e.g. Legan_2022). Based on these results the variant has milder structural effects on the VWF protein than typical type 2B VWD variants, which is consistent with the reported milder phenotypes. The following publications have been ascertained in the context of this evaluation (PMID: 18805962, 8486782, 36580664, 32573891, 26986123, 28640903, 40242192, 37647632). ClinVar contains an entry for this variant (Variation ID: 314), where this variant is reported as (likely) pathogenic for a milder form of type 2B VWD by several labs (as well as in the literature), however an expert panel (ClinGen von Willebrand Disease Variant Curation Expert Panel) recently re-evaluated the extensive published literature associated with this variant, and determined that the enhanced response to ristocetin data in patients is potentially an artifact and does not represent a biologically relevant increase in binding affinity to GPIb; therefore they classified the variant as likely benign. In conclusion, the variant results only in a slight reduction in protein stability, in addition it has a relatively high allele frequency and commonly occurs together (in cis) with other variants and is reported in association with absent- or mild bleeding phenotypes, therefore the phenotypic expression to manifest bleeding symptoms likely requires the presence of environmental triggers or additional variants. Based on the evidence outlined above, the variant was classified as VUS-possibly benign.